The following is an entry in ClinVar:

NM_001369.3(DNAH5):c.5238_5256dup (p.Lys1753Ter)

Gene: DNAH5 (dynein axonemal heavy chain 5; minus strand). Cytogenetic location: 5p15.2.
Variant type: Duplication.
Coding change: c.5238_5256dup on transcript NM_001369.3 (MANE Select); coding-DNA positions 5238 to 5256, 19 bases duplicated (TGACAACATTAAATCTGTC).
Protein change: p.Lys1753Ter; replaces lysine 1753 with a stop codon.
Molecular consequence: nonsense.
Genome position (GRCh38, 1-based): chr5:13,844,852-13,844,870, GACAGATTTAATGTTGTCA duplicated on the plus strand (TGACAACATTAAATCTGTC on the coding strand, the reverse complement: DNAH5 is on the minus strand). VCF-style (leftmost placement, unchanged base first): chr5-13844851-T-TGACAGATTTAATGTTGTCA. GRCh37 (hg19) VCF-style: chr5-13844960-T-TGACAGATTTAATGTTGTCA.
Other names: short protein forms K1753*.
Identifiers: ClinVar variation 2500691 (VCV002500691.1), dbSNP rs2546922436, ClinGen allele CA2580072029.

ClinVar aggregate classification (germline): Likely pathogenic (1 of 4 stars; one submission).

Conditions:
Primary ciliary dyskinesia 3. Identifiers: Orphanet 244, MedGen C1837618, MONDO:0012085, OMIM 608644.

Submission:

Department of Human Genetics, Hannover Medical School
Classification: Likely pathogenic for Primary ciliary dyskinesia 3. Last evaluated: 2023-05-03. Review status: criteria provided, single submitter. Criteria: ACMG Guidelines, 2015. Collection method: clinical testing. Allele origin: germline. Affected: yes.
Comment: This variant leads to a premature stop signal, which most likely results in the degradation of the formed mRNA via nonsense-mediated mRNA decay (NMD) and/or the expression of a truncated protein. The variant has not yet been detected in the normal population (population database gnomAD). Literature data are currently not available.